The following is an entry in ClinVar:

ClinVar aggregate classification (germline): Uncertain significance. Review status: criteria provided, multiple submitters, no conflicts (2 of 4 stars). 4 submissions from 4 submitters: Uncertain significance (4). Last evaluated 2025-03-18.

Conditions:
Inborn genetic diseases. Identifiers: MedGen C0950123, MeSH D030342.

Allele frequency attached by ClinVar (database versions not stated): TOPMed 0.00001; gnomAD exomes 0.00002.
gnomAD v4.1: 22 of 1,613,900 alleles (0.0014%); highest among the groups gnomAD compares: Middle Eastern, 0.017%; no homozygotes.

Submissions (4):

Labcorp Genetics (formerly Invitae), Labcorp
Classification: Uncertain significance. Last evaluated: 2025-03-18. Review status: criteria provided, single submitter. Criteria: Invitae Variant Classification Sherloc (09022015). Collection method: clinical testing. Allele origin: germline.
Comment: This sequence change replaces valine, which is neutral and non-polar, with alanine, which is neutral and non-polar, at codon 586 of the PLG protein (p.Val586Ala). This variant is present in population databases (no rsID available, gnomAD no frequency). This variant has not been reported in the literature in individuals affected with PLG-related conditions. ClinVar contains an entry for this variant (Variation ID: 1958601). Invitae Evidence Modeling of protein sequence and biophysical properties (such as structural, functional, and spatial information, amino acid conservation, physicochemical variation, residue mobility, and thermodynamic stability) indicates that this missense variant is not expected to disrupt PLG protein function with a negative predictive value of 80%. In summary, the available evidence is currently insufficient to determine the role of this variant in disease. Therefore, it has been classified as a Variant of Uncertain Significance.

Ambry Genetics
Classification: Uncertain significance for Inborn genetic diseases. Last evaluated: 2025-01-29. Review status: criteria provided, single submitter. Criteria: Ambry Variant Classification Scheme 2023. Collection method: clinical testing. Allele origin: germline.

Women's Health and Genetics/Laboratory Corporation of America, LabCorp
Classification: Uncertain significance. Last evaluated: 2024-10-29. Review status: criteria provided, single submitter. Criteria: LabCorp Variant Classification Summary - May 2015. Collection method: clinical testing. Allele origin: germline.
Comment: Variant summary: PLG c.1757T>C (p.Val586Ala) results in a non-conservative amino acid change located in the trypsin domain (IPR001254) of the encoded protein sequence. Three of five in-silico tools predict a damaging effect of the variant on protein function. The variant allele was found at a frequency of 1.3e-05 in 1606990 control chromosomes in the gnomAD database (v4.1 dataset). This frequency is not significantly higher than estimated for a pathogenic variant in PLG causing Plasminogen Deficiency (1.3e-05 vs 0.0011), allowing no conclusion about variant significance. To our knowledge, no occurrence of c.1757T>C in individuals affected with Plasminogen Deficiency and no experimental evidence demonstrating its impact on protein function have been reported. ClinVar contains an entry for this variant (Variation ID: 1958601). Based on the evidence outlined above, the variant was classified as uncertain significance.

Mayo Clinic Laboratories, Mayo Clinic
Classification: Uncertain significance. Last evaluated: 2022-08-22. Review status: criteria provided, single submitter. Criteria: ACMG Guidelines, 2015. Collection method: clinical testing. Allele origin: germline. Observed: 1 variant allele.

NM_000301.5(PLG):c.1757T>C (p.Val586Ala)

Gene: PLG (plasminogen; plus strand). Cytogenetic location: 6q26.
Variant type: single nucleotide variant.
Coding change: c.1757T>C on transcript NM_000301.5 (MANE Select); coding-DNA position 1757, T replaced by C.
Protein change: p.Val586Ala; replaces valine 586 with alanine.
Molecular consequence: missense variant.
Genome position (GRCh38, 1-based): chr6:160,736,962, T>C. VCF-style: chr6-160736962-T-C. GRCh37 (hg19) VCF-style: chr6-161157994-T-C.
Other names: p.Val586Ala; short protein forms V586A.
Identifiers: ClinVar variation 1958601 (VCV001958601.8), dbSNP rs1481792306, ClinGen allele CA366364945.